The following is an entry in ClinVar:

NM_004385.5(VCAN):c.891G>A (p.Gly297=)

Gene: VCAN (versican; plus strand). Cytogenetic location: 5q14.3.
Variant type: single nucleotide variant.
Coding change: c.891G>A on transcript NM_004385.5 (MANE Select); coding-DNA position 891, G replaced by A.
Protein change: p.Gly297=; no amino-acid change (glycine 297 retained).
Molecular consequence: synonymous variant.
Genome position (GRCh38, 1-based): chr5:83,512,245, G>A. VCF-style: chr5-83512245-G-A. GRCh37 (hg19) VCF-style: chr5-82808064-G-A.
Other names: c.891G>A (NM_004385.4); c.891G>A, p.Gly297= (NM_001126336.3, NM_001164097.2, NM_001164098.2).
Identifiers: ClinVar variation 1939831 (VCV001939831.8), dbSNP rs767261686, ClinGen allele CA3332548.

ClinVar aggregate classification (germline): Likely benign. Review status: criteria provided, multiple submitters, no conflicts (2 of 4 stars). 3 submissions from 3 submitters: Likely benign (2). 1 of the submissions does not count toward it. Last evaluated 2025-03-18.

Conditions:
VCAN-related disorder. Also called: VCAN-related condition.

Allele frequency attached by ClinVar (database versions not stated): gnomAD 0.00001; ExAC 0.00002; gnomAD exomes 0.00003.
gnomAD v4.1: 48 of 1,614,054 alleles (0.003%); highest among the groups gnomAD compares: Non-Finnish European, 0.004%; no homozygotes.

Submissions (3):

Labcorp Genetics (formerly Invitae), Labcorp
Classification: Likely benign. Last evaluated: 2025-03-18. Review status: criteria provided, single submitter. Criteria: Invitae Variant Classification Sherloc (09022015). Collection method: clinical testing. Allele origin: germline.

Blueprint Genetics
Classification: Likely benign. Last evaluated: 2023-09-14. Review status: criteria provided, single submitter. Criteria: ACMG Guidelines, 2015. Collection method: clinical testing. Allele origin: germline.

PreventionGenetics, part of Exact Sciences
Classification: Likely benign for VCAN-related condition. Last evaluated: 2022-07-21. Review status: no assertion criteria provided. Collection method: clinical testing. Allele origin: germline. Not counted in ClinVar's aggregate classification.
Comment: This variant is classified as likely benign based on ACMG/AMP sequence variant interpretation guidelines (Richards et al. 2015 PMID: 25741868, with internal and published modifications).